The following is an entry in ClinVar:

ClinVar aggregate classification (germline): Conflicting classifications of pathogenicity. Review status: criteria provided, conflicting classifications (1 of 4 stars). 5 submissions from 5 submitters: Uncertain significance (3); Likely benign (2). Last evaluated 2025-12-24.

Conditions:
Aortic aneurysm, familial thoracic 8 (AAT8). Identifiers: MedGen C3809513, MONDO:0014187, OMIM 615436.
Familial thoracic aortic aneurysm and aortic dissection (TAAD). Also called: Thoracic aortic aneurysms and dissections. Identifiers: Orphanet 91387, MedGen C4707243, MONDO:0019625.

Allele frequency attached by ClinVar (database versions not stated): gnomAD 0.00001; TOPMed 0.00002; gnomAD exomes 0.00003 and 0.00005.
gnomAD v4.1: 75 of 1,613,496 alleles (0.0046%); highest among the groups gnomAD compares: Non-Finnish European, 0.0057%; no homozygotes.

Submissions (5):

Labcorp Genetics (formerly Invitae), Labcorp
Classification: Uncertain significance for Aortic aneurysm, familial thoracic 8. Last evaluated: 2025-12-24. Review status: criteria provided, single submitter. Criteria: Invitae Variant Classification Sherloc (09022015). Collection method: clinical testing. Allele origin: germline.
Comment: This sequence change replaces asparagine, which is neutral and polar, with serine, which is neutral and polar, at codon 369 of the PRKG1 protein (p.Asn369Ser). This variant is present in population databases (rs775372704, gnomAD 0.009%). This variant has not been reported in the literature in individuals affected with PRKG1-related conditions. ClinVar contains an entry for this variant (Variation ID: 451057). An algorithm developed to predict the effect of missense changes on protein structure and function (PolyPhen-2) suggests that this variant is likely to be tolerated. In summary, the available evidence is currently insufficient to determine the role of this variant in disease. Therefore, it has been classified as a Variant of Uncertain Significance.

Ambry Genetics
Classification: Likely benign for Familial thoracic aortic aneurysm and aortic dissection. Last evaluated: 2025-10-10. Review status: criteria provided, single submitter. Criteria: Ambry Variant Classification Scheme 2023. Collection method: clinical testing. Allele origin: germline.

GeneDx
Classification: Uncertain significance. Last evaluated: 2025-07-09. Review status: criteria provided, single submitter. Criteria: GeneDx Variant Classification Process June 2021. Collection method: clinical testing. Allele origin: germline. Affected: yes.
Comment: In silico analysis suggests that this missense variant does not alter protein structure/function; Has not been previously published as pathogenic or benign to our knowledge

Women's Health and Genetics/Laboratory Corporation of America, LabCorp
Classification: Uncertain significance. Last evaluated: 2024-05-13. Review status: criteria provided, single submitter. Criteria: LabCorp Variant Classification Summary - May 2015. Collection method: clinical testing. Allele origin: germline.

Blueprint Genetics
Classification: Likely benign. Last evaluated: 2023-10-26. Review status: criteria provided, single submitter. Criteria: ACMG Guidelines, 2015. Collection method: clinical testing. Allele origin: germline.

NM_006258.4(PRKG1):c.1106A>G (p.Asn369Ser)

Gene: PRKG1 (protein kinase cGMP-dependent 1; plus strand). Cytogenetic location: 10q21.1.
Variant type: single nucleotide variant.
Coding change: c.1106A>G on transcript NM_006258.4 (MANE Select); coding-DNA position 1106, A replaced by G.
Protein change: p.Asn369Ser; replaces asparagine 369 with serine.
Molecular consequence: missense variant.
Genome position (GRCh38, 1-based): chr10:52,251,599, A>G. VCF-style: chr10-52251599-A-G. GRCh37 (hg19) VCF-style: chr10-54011359-A-G.
Other names: c.1061A>G, p.Asn354Ser (LRG_1135t2, NM_001098512.3); c.1106A>G, p.Asn369Ser (LRG_1135t1); short protein forms N354S, N369S.
Identifiers: ClinVar variation 451057 (VCV000451057.19), dbSNP rs775372704, ClinGen allele CA207397652.
Genomic context (GRCh38, chr10:52,251,599, plus strand): 5'-AATTTCCATTTTTTCACATCAAAAAATCCAGATATGAAGCTGAAGCGGCTTTCTTCGCCA[A>G]CCTGAAGCTGTCTGATTTCAACATCATTGATACCCTTGGAGTTGGAGGTTTCGGACGAGT-3'
Protein context (NP_006249.1, residues 359-379): KYEAEAAFFA[Asn369Ser]LKLSDFNIID